The following is an entry in ClinVar:

ClinVar aggregate classification (germline): Uncertain significance (1 of 4 stars; one submission).

Conditions:
Epilepsy, idiopathic generalized, susceptibility to, 17 (EIG17). Identifiers: MedGen C5561931, MONDO:0100519, OMIM 602477.

gnomAD v4.1: 1 of 1,612,492 alleles (0.000062%); highest among the groups gnomAD compares: Non-Finnish European, 0.000085%; no homozygotes.

Submission:

Institute of Human Genetics, University of Leipzig Medical Center
Classification: Uncertain significance for Epilepsy, idiopathic generalized, susceptibility to, 17. Last evaluated: 2024-11-14. Review status: criteria provided, single submitter. Criteria: ACMG Guidelines, 2015. Collection method: clinical testing. Allele origin: unknown. Affected: yes.
Comment: Criteria applied: PM2_SUP,PP3

NM_001194.4(HCN2):c.962G>A (p.Arg321His)

Genes: HCN2 (hyperpolarization activated cyclic nucleotide gated potassium and sodium channel 2; plus strand), LOC129391015 (MPRA-validated peak3211 silencer; plus strand). Cytogenetic location: 19p13.3.
Variant type: single nucleotide variant.
Coding change: c.962G>A on transcript NM_001194.4 (MANE Select); coding-DNA position 962, G replaced by A.
Protein change: p.Arg321His; replaces arginine 321 with histidine.
Molecular consequence: missense variant.
Genome position (GRCh38, 1-based): chr19:603,873, G>A. VCF-style: chr19-603873-G-A. GRCh37 (hg19) VCF-style: chr19-603873-G-A.
Other names: short protein forms R321H.
Identifiers: ClinVar variation 3385390 (VCV003385390.2).